The following is an entry in ClinVar:

ClinVar aggregate classification (germline): Conflicting classifications of pathogenicity. Review status: criteria provided, conflicting classifications (1 of 4 stars). 3 submissions from 3 submitters: Uncertain significance (1); Likely benign (2). Last evaluated 2025-10-24.

Conditions:
Neuromuscular disease caused by qualitative or quantitative defects of dysferlin. Also called: Qualitative or quantitative defects of dysferlin; Dysferlinopathy. Identifiers: Orphanet 207073, MedGen C2931687, MONDO:0016145.

Allele frequency attached by ClinVar (database versions not stated): gnomAD 0.00009; 1000 Genomes Project 30x 0.00016; 1000 Genomes Project 0.00020; gnomAD exomes 0.00005; ExAC 0.00008; ESP Exome Variant Server 0.00008; TOPMed 0.00008.
gnomAD v4.1: 127 of 1,614,036 alleles (0.0079%); highest among the groups gnomAD compares: Middle Eastern, 0.016%; no homozygotes.

Submissions (3):

Labcorp Genetics (formerly Invitae), Labcorp
Classification: Likely benign for Neuromuscular disease caused by qualitative or quantitative defects of dysferlin. Last evaluated: 2025-10-24. Review status: criteria provided, single submitter. Criteria: Invitae Variant Classification Sherloc (09022015). Collection method: clinical testing. Allele origin: germline.

CeGaT Center for Human Genetics Tuebingen
Classification: Likely benign. Last evaluated: 2024-09-01. Review status: criteria provided, single submitter. Criteria: CeGaT Center For Human Genetics Tuebingen Variant Classification Criteria Version 2. Collection method: clinical testing. Allele origin: germline. Affected: yes. Observed: 1 variant allele.
Comment: DYSF: BP4

Eurofins Ntd Llc (ga)
Classification: Uncertain significance. Last evaluated: 2017-04-26. Review status: criteria provided, single submitter. Criteria: EGL Classification Definitions 2015. Collection method: clinical testing. Allele origin: germline. Observed: 3 variant alleles, 3 heterozygotes.

NM_001130987.2(DYSF):c.4831G>A (p.Ala1611Thr)

Gene: DYSF (dysferlin; plus strand). Cytogenetic location: 2p13.2.
Variant type: single nucleotide variant.
Coding change: c.4831G>A on transcript NM_001130987.2 (MANE Select); coding-DNA position 4831, G replaced by A.
Protein change: p.Ala1611Thr; replaces alanine 1611 with threonine.
Molecular consequence: missense variant.
Genome position (GRCh38, 1-based): chr2:71,658,953, G>A. VCF-style: chr2-71658953-G-A. GRCh37 (hg19) VCF-style: chr2-71886083-G-A.
Other names: c.4717G>A, p.Ala1573Thr (NM_001130455.2); c.4672G>A, p.Ala1558Thr (NM_001130976.2); c.4735G>A, p.Ala1579Thr (NM_001130977.2); c.4777G>A, p.Ala1593Thr (NM_001130978.2); c.4807G>A, p.Ala1603Thr (NM_001130979.2); c.4765G>A, p.Ala1589Thr (NM_001130980.2); c.4828G>A, p.Ala1610Thr (NM_001130981.2); c.4810G>A, p.Ala1604Thr (NM_001130982.2); and 5 more; short protein forms A1572T, A1611T, A1559T, A1573T, A1579T, A1590T, A1604T, A1580T.
Identifiers: ClinVar variation 501558 (VCV000501558.29), dbSNP rs143163327, ClinGen allele CA1707154.